The following is an entry in ClinVar:

NM_000603.5(NOS3):c.2460G>A (p.Pro820=)

Gene: NOS3 (nitric oxide synthase 3; plus strand). Cytogenetic location: 7q36.1.
Variant type: single nucleotide variant.
Coding change: c.2460G>A on transcript NM_000603.5 (MANE Select); coding-DNA position 2460, G replaced by A.
Protein change: p.Pro820=; no amino-acid change (proline 820 retained).
Molecular consequence: synonymous variant.
Genome position (GRCh38, 1-based): chr7:151,009,533, G>A. VCF-style: chr7-151009533-G-A. GRCh37 (hg19) VCF-style: chr7-150706621-G-A.
Identifiers: ClinVar variation 774138 (VCV000774138.30), dbSNP rs137919476, ClinGen allele CA4567377.

ClinVar aggregate classification (germline): Benign/Likely benign. Review status: criteria provided, multiple submitters, no conflicts (2 of 4 stars). 4 submissions from 4 submitters: Benign (2); Likely benign (1). 1 of the submissions does not count toward it. Last evaluated 2025-06-01.

Conditions:
NOS3-related disorder. Also called: NOS3-related condition.

Allele frequency attached by ClinVar (database versions not stated): 1000 Genomes Project 0.00300; 1000 Genomes Project 30x 0.00344; ExAC 0.00428; ESP Exome Variant Server 0.00461; gnomAD 0.00520 and 0.00541; gnomAD exomes 0.00552 and 0.00770; TOPMed 0.00560.
gnomAD v4.1: 11,401 of 1,545,230 alleles (0.74%); highest among the groups gnomAD compares: Non-Finnish European, 0.88%; 64 homozygotes.

Submissions (4):

CeGaT Center for Human Genetics Tuebingen
Classification: Likely benign. Last evaluated: 2025-06-01. Review status: criteria provided, single submitter. Criteria: CeGaT Center For Human Genetics Tuebingen Variant Classification Criteria Version 2. Collection method: clinical testing. Allele origin: germline. Affected: yes. Observed: 4 variant alleles.
Comment: NOS3: BP4, BP7, BS2

Labcorp Genetics (formerly Invitae), Labcorp
Classification: Benign. Last evaluated: 2019-12-31. Review status: criteria provided, single submitter. Criteria: Invitae Variant Classification Sherloc (09022015). Collection method: clinical testing. Allele origin: germline.

Breakthrough Genomics
Classification: Benign. Review status: criteria provided, single submitter. Criteria: ACMG Guidelines, 2015. Collection method: not provided. Allele origin: germline. Inheritance: Autosomal dominant inheritance. Affected: yes.

PreventionGenetics, part of Exact Sciences
Classification: Benign for NOS3-related condition. Last evaluated: 2019-04-04. Review status: no assertion criteria provided. Collection method: clinical testing. Allele origin: germline. Not counted in ClinVar's aggregate classification.
Comment: This variant is classified as benign based on ACMG/AMP sequence variant interpretation guidelines (Richards et al. 2015 PMID: 25741868, with internal and published modifications).